The following is an entry in ClinVar:

ClinVar aggregate classification (germline): Uncertain significance (1 of 4 stars; one submission).

Submission:

GeneDx
Classification: Uncertain significance. Last evaluated: 2023-08-11. Review status: criteria provided, single submitter. Criteria: GeneDx Variant Classification Process June 2021. Collection method: clinical testing. Allele origin: germline. Affected: yes.
Comment: Has not been previously published as pathogenic or benign to our knowledge; Nonsense variant predicted to result in protein truncation or nonsense mediated decay in a gene or region of a gene for which loss of function is not a well-established mechanism of disease; Not observed at significant frequency in large population cohorts (gnomAD); Variants in candidate genes are classified as variants of uncertain significance in accordance with ACMG guidelines (Richards et al., 2015)

NM_001039469.3(MARK2):c.1659_1660del (p.Cys553_Glu554delinsTer)

Gene: MARK2 (microtubule affinity regulating kinase 2; plus strand). Cytogenetic location: 11q13.1.
Variant type: Microsatellite.
Coding change: c.1659_1660del on transcript NM_001039469.3 (MANE Select); coding-DNA positions 1659 to 1660, 2 bases deleted (TG; older notation c.1659_1660delTG).
Protein change: p.Cys553_Glu554delinsTer.
Molecular consequence: nonsense. On other transcripts: intron variant (3).
Genome position (GRCh38, 1-based): chr11:63,904,130-63,904,131, TG deleted; deleting any 2 consecutive bases within chr11:63,904,128-63,904,131 gives the same sequence; the c. name uses the placement nearest the transcript's 3' end. VCF-style (leftmost placement, unchanged base first): chr11-63904127-CTG-C. GRCh37 (hg19) VCF-style: chr11-63671599-CTG-C.
Other names: c.1557_1558del, p.Cys519_Glu520delinsTer (NM_017490.4); c.1515-656_1515-655del (NM_001163296.2); c.1512-656_1512-655del (NM_004954.5, NM_001163297.2).
Identifiers: ClinVar variation 3378084 (VCV003378084.1).